The following is an entry in ClinVar:

ClinVar aggregate classification (germline): Likely benign. Review status: criteria provided, multiple submitters, no conflicts (2 of 4 stars). 5 submissions from 5 submitters: Likely benign (2). 3 of the submissions do not count toward it. Last evaluated 2026-01-05.

Conditions:
BBS4-related disorder. Also called: BBS4-related condition.
Bardet-Biedl syndrome (BBS). Identifiers: Orphanet 110, MedGen C0752166, MONDO:0015229.

Allele frequency attached by ClinVar (database versions not stated): ESP Exome Variant Server 0.00008; TOPMed 0.00009; gnomAD 0.00012; gnomAD exomes 0.00016; ExAC 0.00025.
gnomAD v4.1: 246 of 1,610,786 alleles (0.015%); highest among the groups gnomAD compares: Middle Eastern, 0.071%; 1 homozygote.

Submissions (5):

Labcorp Genetics (formerly Invitae), Labcorp
Classification: Likely benign for Bardet-Biedl syndrome. Last evaluated: 2026-01-05. Review status: criteria provided, single submitter. Criteria: Invitae Variant Classification Sherloc (09022015). Collection method: clinical testing. Allele origin: germline.

Blueprint Genetics
Classification: Likely benign. Last evaluated: 2024-09-18. Review status: criteria provided, single submitter. Criteria: ACMG Guidelines, 2015. Collection method: clinical testing. Allele origin: germline.

PreventionGenetics, part of Exact Sciences
Classification: Likely benign for BBS4-related condition. Last evaluated: 2019-09-17. Review status: no assertion criteria provided. Collection method: clinical testing. Allele origin: germline. Not counted in ClinVar's aggregate classification.
Comment: This variant is classified as likely benign based on ACMG/AMP sequence variant interpretation guidelines (Richards et al. 2015 PMID: 25741868, with internal and published modifications).

Clinical Genetics DNA and cytogenetics Diagnostics Lab, Erasmus MC, Erasmus Medical Center
Classification: Likely benign. Review status: no assertion criteria provided. Collection method: clinical testing. Allele origin: germline. Affected: yes. Study: VKGL Data-share Consensus. Not counted in ClinVar's aggregate classification.

Clinical Genetics, Academic Medical Center
Classification: Benign. Review status: no assertion criteria provided. Collection method: clinical testing. Allele origin: germline. Affected: yes. Study: VKGL Data-share Consensus. Not counted in ClinVar's aggregate classification.

NM_033028.5(BBS4):c.372T>C (p.Tyr124=)

Gene: BBS4 (Bardet-Biedl syndrome 4; plus strand). Cytogenetic location: 15q24.1.
Variant type: single nucleotide variant.
Coding change: c.372T>C on transcript NM_033028.5 (MANE Select); coding-DNA position 372, T replaced by C.
Protein change: p.Tyr124=; no amino-acid change (tyrosine 124 retained).
Molecular consequence: synonymous variant. On other transcripts: 5 prime UTR variant (1), non-coding transcript variant (2).
Genome position (GRCh38, 1-based): chr15:72,716,817, T>C. VCF-style: chr15-72716817-T-C. GRCh37 (hg19) VCF-style: chr15-73009158-T-C.
Other names: c.372T>C (NM_033028.4); c.-150T>C (NM_001252678.2); c.372T>C, p.Tyr124= (NM_001320665.2).
Identifiers: ClinVar variation 1284785 (VCV001284785.14), dbSNP rs141903251, ClinGen allele CA7646601.